The following is an entry in ClinVar:

NM_014967.5(FAN1):c.2413G>A (p.Ala805Thr)

Genes: FAN1 (FANCD2 and FANCI associated nuclease 1; plus strand), MTMR10 (myotubularin related protein 10; minus strand). Cytogenetic location: 15q13.3.
Variant type: single nucleotide variant.
Coding change: c.2413G>A on transcript NM_014967.5 (MANE Select); coding-DNA position 2413, G replaced by A.
Protein change: p.Ala805Thr; replaces alanine 805 with threonine.
Molecular consequence: missense variant.
Genome position (GRCh38, 1-based): chr15:30,925,864, G>A. VCF-style: chr15-30925864-G-A. GRCh37 (hg19) VCF-style: chr15-31218067-G-A.
Other names: short protein forms A805T.
Identifiers: ClinVar variation 720696 (VCV000720696.14), dbSNP rs114441778, ClinGen allele CA7450607.

ClinVar aggregate classification (germline): Benign/Likely benign. Review status: criteria provided, multiple submitters, no conflicts (2 of 4 stars). 4 submissions from 4 submitters: Benign (1); Likely benign (2). 1 of the submissions does not count toward it. Last evaluated 2025-11-01.

Conditions:
FAN1-related disorder. Also called: FAN1-related condition.

Allele frequency attached by ClinVar (database versions not stated): gnomAD 0.00511 and 0.00540; TOPMed 0.00563; 1000 Genomes Project 30x 0.00609; 1000 Genomes Project 0.00619; ESP Exome Variant Server 0.00654.
gnomAD v4.1: 1,501 of 1,614,134 alleles (0.093%); highest among the groups gnomAD compares: African/African-American, 1.8%; 11 homozygotes.

Submissions (4):

Labcorp Genetics (formerly Invitae), Labcorp
Classification: Benign. Last evaluated: 2025-11-01. Review status: criteria provided, single submitter. Criteria: Invitae Variant Classification Sherloc (09022015). Collection method: clinical testing. Allele origin: germline.

GeneDx
Classification: Likely benign. Last evaluated: 2020-06-07. Review status: criteria provided, single submitter. Criteria: GeneDx Variant Classification Process June 2021. Collection method: clinical testing. Allele origin: germline. Affected: yes.

Breakthrough Genomics
Classification: Likely benign. Review status: criteria provided, single submitter. Criteria: ACMG Guidelines, 2015. Collection method: not provided. Allele origin: germline. Inheritance: Autosomal recessive inheritance. Affected: yes.

PreventionGenetics, part of Exact Sciences
Classification: Benign for FAN1-related condition. Last evaluated: 2019-10-28. Review status: no assertion criteria provided. Collection method: clinical testing. Allele origin: germline. Not counted in ClinVar's aggregate classification.
Comment: This variant is classified as benign based on ACMG/AMP sequence variant interpretation guidelines (Richards et al. 2015 PMID: 25741868, with internal and published modifications).